The following is an entry in ClinVar:

ClinVar aggregate classification (germline): Uncertain significance (1 of 4 stars; one submission).

Conditions:
Ataxia-telangiectasia syndrome (AT). Also called: LOUIS-BAR SYNDROME; Cerebello-oculocutaneous telangiectasia; Immunodeficiency with ataxia telangiectasia; Ataxia telangiectasia (A-T); Ataxia-telangiectasia, complementation group D; AT, COMPLEMENTATION GROUP C. Identifiers: Orphanet 100, MedGen C0004135, MONDO:0008840, OMIM 208900.

Submission:

Labcorp Genetics (formerly Invitae), Labcorp
Classification: Uncertain significance for Ataxia-telangiectasia syndrome. Last evaluated: 2021-07-19. Review status: criteria provided, single submitter. Criteria: Invitae Variant Classification Sherloc (09022015). Collection method: clinical testing. Allele origin: germline.
Comment: This sequence change replaces valine with alanine at codon 2284 of the ATM protein (p.Val2284Ala). The valine residue is weakly conserved and there is a small physicochemical difference between valine and alanine. This variant is not present in population databases (ExAC no frequency). This variant has not been reported in the literature in individuals affected with ATM-related conditions. Advanced modeling of protein sequence and biophysical properties (such as structural, functional, and spatial information, amino acid conservation, physicochemical variation, residue mobility, and thermodynamic stability) performed at Invitae indicates that this missense variant is not expected to disrupt ATM protein function. In summary, the available evidence is currently insufficient to determine the role of this variant in disease. Therefore, it has been classified as a Variant of Uncertain Significance.

NM_000051.4(ATM):c.6851T>C (p.Val2284Ala)

Genes: C11orf65 (chromosome 11 open reading frame 65; minus strand), ATM (ATM serine/threonine kinase; plus strand). Cytogenetic location: 11q22.3.
Variant type: single nucleotide variant.
Coding change: c.6851T>C on transcript NM_000051.4 (MANE Select); coding-DNA position 6851, T replaced by C.
Protein change: p.Val2284Ala; replaces valine 2284 with alanine.
Molecular consequence: missense variant. On other transcripts: intron variant (2).
Genome position (GRCh38, 1-based): chr11:108,326,101, T>C. VCF-style: chr11-108326101-T-C. GRCh37 (hg19) VCF-style: chr11-108196828-T-C.
Other names: c.6851T>C, p.Val2284Ala (NM_001351834.2); c.641-17030A>G (NM_001330368.2); c.*38+9119A>G (NM_001351110.2); short protein forms V2284A.
Identifiers: ClinVar variation 1497468 (VCV001497468.8), dbSNP rs2136333421, ClinGen allele CA382556666.